The following is an entry in ClinVar:

ClinVar aggregate classification (germline): Uncertain significance (1 of 4 stars; one submission).

Allele frequency attached by ClinVar (database versions not stated): gnomAD exomes below 0.00001.
gnomAD v4.1: 1 of 1,612,114 alleles (0.000062%); highest among the groups gnomAD compares: Non-Finnish European, 0.000085%; no homozygotes.

Submission:

Labcorp Genetics (formerly Invitae), Labcorp
Classification: Uncertain significance. Last evaluated: 2021-11-09. Review status: criteria provided, single submitter. Criteria: Invitae Variant Classification Sherloc (09022015). Collection method: clinical testing. Allele origin: germline.
Comment: This sequence change replaces tryptophan, which is neutral and slightly polar, with arginine, which is basic and polar, at codon 98 of the APRT protein (p.Trp98Arg). This variant is not present in population databases (gnomAD no frequency). This variant has not been reported in the literature in individuals affected with APRT-related conditions. Algorithms developed to predict the effect of missense changes on protein structure and function (SIFT, PolyPhen-2, Align-GVGD) all suggest that this variant is likely to be tolerated. In summary, the available evidence is currently insufficient to determine the role of this variant in disease. Therefore, it has been classified as a Variant of Uncertain Significance.

NM_000485.3(APRT):c.292T>C (p.Trp98Arg)

Gene: APRT (adenine phosphoribosyltransferase; minus strand). Cytogenetic location: 16q24.3.
Variant type: single nucleotide variant.
Coding change: c.292T>C on transcript NM_000485.3 (MANE Select); coding-DNA position 292, T replaced by C.
Protein change: p.Trp98Arg; replaces tryptophan 98 with arginine.
Molecular consequence: missense variant.
Genome position (GRCh38, 1-based): chr16:88,810,452, A>G on the plus strand (T>C on the coding strand, the complement: APRT is on the minus strand). VCF-style: chr16-88810452-A-G. GRCh37 (hg19) VCF-style: chr16-88876860-A-G.
Other names: c.292T>C, p.Trp98Arg (NM_001030018.2); short protein forms W98R.
Identifiers: ClinVar variation 1387232 (VCV001387232.6), dbSNP rs1909079702, ClinGen allele CA397088290.
Genomic context (GRCh38, chr16:88,810,452, plus strand): 5'-GCCCTTCCTCTGGCCACCCCAGCCCTCTTACCTTCCCGTACTCCAGGGAATAGGAGGCCC[A>G]CAGAGTGGGGCCTGGCAGCTTCCCCCGCTTTCGGATGAGCACGCAGCCCAGTCCAAGCTC-3'
Protein context (NP_000476.1, residues 88-108): KRGKLPGPTL[Trp98Arg]ASYSLEYGKA